The following is an entry in ClinVar:

NM_017433.5(MYO3A):c.3597G>A (p.Glu1199=)

Gene: MYO3A (myosin IIIA; plus strand). Cytogenetic location: 10p12.1.
Variant type: single nucleotide variant.
Coding change: c.3597G>A on transcript NM_017433.5 (MANE Select); coding-DNA position 3597, G replaced by A.
Protein change: p.Glu1199=; no amino-acid change (glutamic acid 1199 retained).
Molecular consequence: synonymous variant.
Genome position (GRCh38, 1-based): chr10:26,173,861, G>A. VCF-style: chr10-26173861-G-A. GRCh37 (hg19) VCF-style: chr10-26462790-G-A.
Other names: p.Glu1199=.
Identifiers: ClinVar variation 45808 (VCV000045808.21), dbSNP rs3740232, ClinGen allele CA137077.

ClinVar aggregate classification (germline): Benign. Review status: criteria provided, multiple submitters, no conflicts (2 of 4 stars). 8 submissions from 8 submitters: Benign (8). Last evaluated 2026-02-03.

Conditions:
Autosomal recessive nonsyndromic hearing loss 30. Identifiers: Orphanet 90636, MedGen C1846784, MONDO:0011774, OMIM 607101.

Allele frequency attached by ClinVar (database versions not stated): TOPMed 0.30528; ESP Exome Variant Server 0.30670; gnomAD 0.31670 and 0.32217; 1000 Genomes Project 30x 0.32386; 1000 Genomes Project 0.32907; gnomAD exomes 0.34287; ExAC 0.34454.
gnomAD v4.1: 554,212 of 1,613,704 alleles (34%); highest among the groups gnomAD compares: Middle Eastern, 44%; 96,361 homozygotes.

Submissions (8):

Labcorp Genetics (formerly Invitae), Labcorp
Classification: Benign. Last evaluated: 2026-02-03. Review status: criteria provided, single submitter. Criteria: Invitae Variant Classification Sherloc (09022015). Collection method: clinical testing. Allele origin: germline.

Genome-Nilou Lab
Classification: Benign for Autosomal recessive nonsyndromic hearing loss 30. Last evaluated: 2021-09-05. Review status: criteria provided, single submitter. Criteria: ACMG Guidelines, 2015. Collection method: clinical testing. Allele origin: germline. Affected: no.

Mayo Clinic Laboratories, Mayo Clinic
Classification: Benign. Last evaluated: 2020-08-26. Review status: criteria provided, single submitter. Criteria: ACMG Guidelines, 2015. Collection method: clinical testing. Allele origin: germline. Observed: 94 variant alleles.

Illumina Laboratory Services, Illumina
Classification: Benign for Autosomal recessive nonsyndromic hearing loss 30. Last evaluated: 2018-01-13. Review status: criteria provided, single submitter. Criteria: ICSL Variant Classification Criteria 13 December 2019. Collection method: clinical testing. Allele origin: germline.
Comment: This variant was observed in the ICSL laboratory as part of a predisposition screen in an ostensibly healthy population. It had not been previously curated by ICSL or reported in the Human Gene Mutation Database (HGMD: prior to June 1st, 2018), and was therefore a candidate for classification through an automated scoring system. Utilizing variant allele frequency, disease prevalence and penetrance estimates, and inheritance mode, an automated score was calculated to assess if this variant is too frequent to cause the disease. Based on the score and internal cut-off values, a variant classified as benign is not then subjected to further curation. The score for this variant resulted in a classification of benign for this disease.

GeneDx
Classification: Benign. Last evaluated: 2017-05-09. Review status: criteria provided, single submitter. Criteria: GeneDx Variant Classification (06012015). Collection method: clinical testing. Allele origin: germline. Affected: yes.
Comment: This variant is considered likely benign or benign based on one or more of the following criteria: it is a conservative change, it occurs at a poorly conserved position in the protein, it is predicted to be benign by multiple in silico algorithms, and/or has population frequency not consistent with disease.

Laboratory for Molecular Medicine, Mass General Brigham Personalized Medicine
Classification: Benign. Last evaluated: 2012-05-07. Review status: criteria provided, single submitter. Criteria: LMM Criteria. Collection method: clinical testing. Allele origin: germline. Observed: 907 variant alleles.
Comment: "Glu1199Glu in Exon 30 of MYO3A: This variant is not expected to have clinical s ignificance because it does not alter an amino acid residue, is not located with in the splice consensus sequence, and has been identified in 34.1% (2393/7020) o f European American chromosomes from a broad population by the NHLBI Exome Seque ncing Project (dbSNP rs3740232)."

Breakthrough Genomics
Classification: Benign. Review status: criteria provided, single submitter. Criteria: ACMG Guidelines, 2015. Collection method: not provided. Allele origin: germline. Inheritance: Autosomal recessive inheritance. Affected: yes.

PreventionGenetics, part of Exact Sciences
Classification: Benign. Review status: criteria provided, single submitter. Criteria: ACMG Guidelines, 2015. Collection method: clinical testing. Allele origin: germline.